The following is an entry in ClinVar:

NM_012188.5(FOXI1):c.558C>A (p.Arg186=)

Gene: FOXI1 (forkhead box I1; plus strand). Cytogenetic location: 5q35.1.
Variant type: single nucleotide variant.
Coding change: c.558C>A on transcript NM_012188.5 (MANE Select); coding-DNA position 558, C replaced by A.
Protein change: p.Arg186=; no amino-acid change (arginine 186 retained).
Molecular consequence: synonymous variant.
Genome position (GRCh38, 1-based): chr5:170,106,515, C>A. VCF-style: chr5-170106515-C-A. GRCh37 (hg19) VCF-style: chr5-169533519-C-A.
Other names: c.558C>A, p.Arg186= (NM_144769.4); c.558C>A (NM_012188.4).
Identifiers: ClinVar variation 2052510 (VCV002052510.7), dbSNP rs148101435, ClinGen allele CA3555045.
Genomic context (GRCh38, chr5:170,106,515, plus strand): 5'-CTGGCAGAACTCCATCCGCCACAACCTGTCGCTCAACGACTGCTTCAAGAAGGTGCCCCG[C>A]GACGAGGACGACCCGGGTAAGGAGGCTTTGAGTGTGGGGGGTGTCCCCAAGGAAGACTCA-3'
Protein context (NP_036320.2, residues 176-196): SLNDCFKKVP[Arg186=]DEDDPGKGNY

ClinVar aggregate classification (germline): Benign/Likely benign. Review status: criteria provided, multiple submitters, no conflicts (2 of 4 stars). 3 submissions from 3 submitters: Benign (1); Likely benign (1). 1 of the submissions does not count toward it. Last evaluated 2025-08-23.

Conditions:
FOXI1-related disorder. Also called: FOXI1-related condition.

Allele frequency attached by ClinVar (database versions not stated): ESP Exome Variant Server 0.00023; 1000 Genomes Project 30x 0.00047; 1000 Genomes Project 0.00060; gnomAD exomes 0.00070; gnomAD 0.00133; ExAC 0.00158.

Submissions (3):

Labcorp Genetics (formerly Invitae), Labcorp
Classification: Benign. Last evaluated: 2025-08-23. Review status: criteria provided, single submitter. Criteria: Invitae Variant Classification Sherloc (09022015). Collection method: clinical testing. Allele origin: germline.

Blueprint Genetics
Classification: Likely benign. Last evaluated: 2024-11-19. Review status: criteria provided, single submitter. Criteria: ACMG Guidelines, 2015. Collection method: clinical testing. Allele origin: germline.

PreventionGenetics, part of Exact Sciences
Classification: Benign for FOXI1-related condition. Last evaluated: 2019-09-19. Review status: no assertion criteria provided. Collection method: clinical testing. Allele origin: germline. Not counted in ClinVar's aggregate classification.
Comment: This variant is classified as benign based on ACMG/AMP sequence variant interpretation guidelines (Richards et al. 2015 PMID: 25741868, with internal and published modifications).